The following is an entry in ClinVar:

NM_015425.6(POLR1A):c.4008G>T (p.Glu1336Asp)

Gene: POLR1A (RNA polymerase I subunit A; minus strand). Cytogenetic location: 2p11.2.
Variant type: single nucleotide variant.
Coding change: c.4008G>T on transcript NM_015425.6 (MANE Select); coding-DNA position 4008, G replaced by T.
Protein change: p.Glu1336Asp; replaces glutamic acid 1336 with aspartic acid.
Molecular consequence: missense variant.
Genome position (GRCh38, 1-based): chr2:86,038,726, C>A on the plus strand (G>T on the coding strand, the complement: POLR1A is on the minus strand). VCF-style: chr2-86038726-C-A. GRCh37 (hg19) VCF-style: chr2-86265849-C-A.
Other names: short protein forms E1336D.
Identifiers: ClinVar variation 2879011 (VCV002879011.3), dbSNP rs752351886, ClinGen allele CA1745623.
Genomic context (GRCh38, chr2:86,038,726, plus strand): 5'-CAAGGTCAATGACAATCACAGCCTGAGCCCTGACCTTGTTTCCATGAAGCGCAGGATGTC[C>A]TCGGGTCTCAGGCACTTCTCCTGCTGGTAATATGCATGTGGCAGGAACTGAAACCGCAGC-3'
Protein context (NP_056240.2, residues 1326-1346): YYQQEKCLRP[Glu1336Asp]DILRFMETRF

ClinVar aggregate classification (germline): Uncertain significance (1 of 4 stars; one submission).

Allele frequency attached by ClinVar (database versions not stated): ExAC 0.00001; gnomAD exomes 0.00001; TOPMed 0.00001.
gnomAD v4.1: 9 of 1,613,968 alleles (0.00056%); highest among the groups gnomAD compares: Admixed American, 0.005%; no homozygotes.

Submission:

Labcorp Genetics (formerly Invitae), Labcorp
Classification: Uncertain significance. Last evaluated: 2023-08-02. Review status: criteria provided, single submitter. Criteria: Invitae Variant Classification Sherloc (09022015). Collection method: clinical testing. Allele origin: germline.
Comment: In summary, the available evidence is currently insufficient to determine the role of this variant in disease. Therefore, it has been classified as a Variant of Uncertain Significance. Advanced modeling of protein sequence and biophysical properties (such as structural, functional, and spatial information, amino acid conservation, physicochemical variation, residue mobility, and thermodynamic stability) performed at Invitae indicates that this missense variant is not expected to disrupt POLR1A protein function. This variant has not been reported in the literature in individuals affected with POLR1A-related conditions. This variant is present in population databases (rs752351886, gnomAD 0.003%). This sequence change replaces glutamic acid, which is acidic and polar, with aspartic acid, which is acidic and polar, at codon 1336 of the POLR1A protein (p.Glu1336Asp).